The following is an entry in ClinVar:

ClinVar aggregate classification (germline): Uncertain significance (1 of 4 stars; one submission).

Allele frequency attached by ClinVar (database versions not stated): ExAC 0.00001; gnomAD 0.00001; gnomAD exomes 0.00001.
gnomAD v4.1: 23 of 1,614,096 alleles (0.0014%); highest among the groups gnomAD compares: African/African-American, 0.0027%; no homozygotes.

Submission:

Labcorp Genetics (formerly Invitae), Labcorp
Classification: Uncertain significance. Last evaluated: 2024-01-07. Review status: criteria provided, single submitter. Criteria: Invitae Variant Classification Sherloc (09022015). Collection method: clinical testing. Allele origin: germline.
Comment: This sequence change replaces glycine, which is neutral and non-polar, with aspartic acid, which is acidic and polar, at codon 434 of the ACBD5 protein (p.Gly434Asp). This variant is present in population databases (rs755472165, gnomAD 0.004%). This variant has not been reported in the literature in individuals affected with ACBD5-related conditions. Advanced modeling of protein sequence and biophysical properties (such as structural, functional, and spatial information, amino acid conservation, physicochemical variation, residue mobility, and thermodynamic stability) performed at Invitae indicates that this missense variant is not expected to disrupt ACBD5 protein function with a negative predictive value of 80%. In summary, the available evidence is currently insufficient to determine the role of this variant in disease. Therefore, it has been classified as a Variant of Uncertain Significance.

NM_145698.5(ACBD5):c.1301G>A (p.Gly434Asp)

Gene: ACBD5 (acyl-CoA binding domain containing 5; minus strand). Cytogenetic location: 10p12.1.
Variant type: single nucleotide variant.
Coding change: c.1301G>A on transcript NM_145698.5 (MANE Select); coding-DNA position 1301, G replaced by A.
Protein change: p.Gly434Asp; replaces glycine 434 with aspartic acid.
Molecular consequence: missense variant.
Genome position (GRCh38, 1-based): chr10:27,208,349, C>T on the plus strand (G>A on the coding strand, the complement: ACBD5 is on the minus strand). VCF-style: chr10-27208349-C-T. GRCh37 (hg19) VCF-style: chr10-27497278-C-T.
Other names: c.1229G>A, p.Gly410Asp (NM_001352574.2, NM_001352575.2, NM_001352576.2); c.1196G>A, p.Gly399Asp (NM_001352577.2, NM_001352578.2, NM_001352579.2 and 1 more transcripts); c.1142G>A, p.Gly381Asp (NM_001352580.2); c.1130G>A, p.Gly377Asp (NM_001352581.1); c.992G>A, p.Gly331Asp (NM_001352582.2); c.974G>A, p.Gly325Asp (NM_001352583.1, NM_001301252.2, NM_001301253.2 and 2 more transcripts); c.770G>A, p.Gly257Asp (NM_001301254.2); c.1355G>A, p.Gly452Asp (NM_001352568.1); and 10 more; short protein forms G432D, G445D, G364D, G377D, G399D, G443D, G452D, G257D.
Identifiers: ClinVar variation 2962506 (VCV002962506.3), dbSNP rs755472165, ClinGen allele CA5450675.
Genomic context (GRCh38, chr10:27,208,349, plus strand): 5'-ACATTCTGCATGTCCTCCTGCAGTCTCATCAGCACGAGGGCGATCTGCTCATTGAGGCTG[C>T]CTCGGGACCCTCTGTCGGAGCCCCAGCGCTCCCCATCACCTCCACTTCCCACCTGCCGGC-3'
Protein context (NP_663736.2, residues 424-444): ERWGSDRGSR[Gly434Asp]SLNEQIALVL